The following is an entry in ClinVar:

ClinVar aggregate classification (germline): Pathogenic (1 of 4 stars; one submission).

Allele frequency attached by ClinVar (database versions not stated): gnomAD exomes below 0.00001.

Submission:

Labcorp Genetics (formerly Invitae), Labcorp
Classification: Pathogenic. Last evaluated: 2023-10-14. Review status: criteria provided, single submitter. Criteria: Invitae Variant Classification Sherloc (09022015). Collection method: clinical testing. Allele origin: germline.
Comment: This sequence change creates a premature translational stop signal (p.Leu1627Valfs*4) in the LAMA3 gene. It is expected to result in an absent or disrupted protein product. Loss-of-function variants in LAMA3 are known to be pathogenic (PMID: 10366601, 11810295, 12915477, 16473856, 17362460, 22434185, 23869449, 27827380, 28087116). This variant is not present in population databases (gnomAD no frequency). This variant has not been reported in the literature in individuals affected with LAMA3-related conditions. For these reasons, this variant has been classified as Pathogenic.

Literature cited by the submitters: PubMed 10366601; PubMed 11810295; PubMed 12915477; PubMed 16473856; PubMed 17362460; PubMed 22434185; PubMed 23869449; PubMed 27827380; PubMed 28087116.

NM_198129.4(LAMA3):c.9702_9705dup (p.Leu3236fs)

Gene: LAMA3 (laminin subunit alpha 3; plus strand). Cytogenetic location: 18q11.2.
Variant type: Duplication.
Coding change: c.9702_9705dup on transcript NM_198129.4 (MANE Select); coding-DNA positions 9702 to 9705, 4 bases duplicated (GTCT; older notation c.9702_9705dupGTCT).
Protein change: p.Leu3236fs; shifts the reading frame from leucine 3236.
Molecular consequence: frameshift variant.
Genome position (GRCh38, 1-based): chr18:23,951,743-23,951,746, GTCT duplicated. VCF-style (leftmost placement, unchanged base first): chr18-23951742-A-AGTCT. GRCh37 (hg19) VCF-style: chr18-21531706-A-AGTCT.
Other names: c.4875_4878dup, p.Leu1627fs (NM_000227.6); c.9534_9537dup, p.Leu3180fs (NM_001127717.4); c.4707_4710dup, p.Leu1571fs (NM_001127718.4); short protein forms L1627fs, L1571fs, L3180fs, L3236fs.
Identifiers: ClinVar variation 2768246 (VCV002768246.3), dbSNP rs2511693960, ClinGen allele CA2641299448.
Genomic context (GRCh38, chr18:23,951,742, plus strand): 5'-AGGTCACGGCCTCTATGGACAGTGGGGCAGGTGGGACCTCAACGTCGGTCACACCAAAGC[A>AGTCT]GTCTCTGTGTGATGGACAGTGGCACTCGGTGGCAGGTATGTTGTCCAGTAGCTGATTGTT-3'